The following is an entry in ClinVar:

ClinVar aggregate classification (germline): Uncertain significance (1 of 4 stars; one submission).

Allele frequency attached by ClinVar (database versions not stated): gnomAD exomes below 0.00001.
gnomAD v4.1: 1 of 1,614,036 alleles (0.000062%); highest among the groups gnomAD compares: East Asian, 0.0022%; no homozygotes.

Submission:

Labcorp Genetics (formerly Invitae), Labcorp
Classification: Uncertain significance. Last evaluated: 2025-07-31. Review status: criteria provided, single submitter. Criteria: Invitae Variant Classification Sherloc (09022015). Collection method: clinical testing. Allele origin: germline.
Comment: This sequence change replaces threonine, which is neutral and polar, with alanine, which is neutral and non-polar, at codon 2175 of the VCAN protein (p.Thr2175Ala). This variant is not present in population databases (gnomAD no frequency). This variant has not been reported in the literature in individuals affected with VCAN-related conditions. ClinVar contains an entry for this variant (Variation ID: 1720243). An algorithm developed to predict the effect of missense changes on protein structure and function (PolyPhen-2) suggests that this variant is likely to be tolerated. In summary, the available evidence is currently insufficient to determine the role of this variant in disease. Therefore, it has been classified as a Variant of Uncertain Significance.

NM_004385.5(VCAN):c.6523A>G (p.Thr2175Ala)

Genes: VCAN (versican; plus strand), VCAN-AS1 (VCAN antisense RNA 1; minus strand). Cytogenetic location: 5q14.3.
Variant type: single nucleotide variant.
Coding change: c.6523A>G on transcript NM_004385.5 (MANE Select); coding-DNA position 6523, A replaced by G.
Protein change: p.Thr2175Ala; replaces threonine 2175 with alanine.
Molecular consequence: missense variant. On other transcripts: intron variant (2).
Genome position (GRCh38, 1-based): chr5:83,539,526, A>G. VCF-style: chr5-83539526-A-G. GRCh37 (hg19) VCF-style: chr5-82835345-A-G.
Other names: c.3562A>G, p.Thr1188Ala (NM_001164097.2); c.4004-6011A>G (NM_001164098.2); c.1043-6011A>G (NM_001126336.3); short protein forms T1188A, T2175A.
Identifiers: ClinVar variation 1720243 (VCV001720243.5), dbSNP rs975780855, ClinGen allele CA360312756.